The following is an entry in ClinVar:

ClinVar aggregate classification (germline): Uncertain significance (1 of 4 stars; one submission).

Conditions:
Autosomal recessive hypohidrotic ectodermal dysplasia syndrome. Also called: Autosomal recessive hypohidrotic ectodermal dysplasia. Identifiers: Orphanet 248, MedGen C0406702, MONDO:0016619.
Ectodermal dysplasia 10A, hypohidrotic/hair/nail type, autosomal dominant (ECTD10A). Also called: Ectodermal Dysplasia 3, Anhidrotic. Identifiers: Orphanet 1810, Orphanet 238468, MedGen C3888065, MONDO:0007509, OMIM 129490.

gnomAD v4.1: 1 of 1,614,102 alleles (0.000062%); highest among the groups gnomAD compares: Non-Finnish European, 0.000085%; no homozygotes.

Submission:

Labcorp Genetics (formerly Invitae), Labcorp
Classification: Uncertain significance for Ectodermal dysplasia 10A, hypohidrotic/hair/nail type, autosomal dominant; Autosomal recessive hypohidrotic ectodermal dysplasia syndrome. Last evaluated: 2024-06-03. Review status: criteria provided, single submitter. Criteria: Invitae Variant Classification Sherloc (09022015). Collection method: clinical testing. Allele origin: germline.
Comment: This sequence change replaces cysteine, which is neutral and slightly polar, with tryptophan, which is neutral and slightly polar, at codon 31 of the EDAR protein (p.Cys31Trp). This variant is not present in population databases (gnomAD no frequency). This variant has not been reported in the literature in individuals affected with EDAR-related conditions. ClinVar contains an entry for this variant (Variation ID: 2015099). Advanced modeling of protein sequence and biophysical properties (such as structural, functional, and spatial information, amino acid conservation, physicochemical variation, residue mobility, and thermodynamic stability) performed at Invitae indicates that this missense variant is expected to disrupt EDAR protein function with a positive predictive value of 80%. In summary, the available evidence is currently insufficient to determine the role of this variant in disease. Therefore, it has been classified as a Variant of Uncertain Significance.

NM_022336.4(EDAR):c.93C>G (p.Cys31Trp)

Genes: EDAR (ectodysplasin A receptor; minus strand), RANBP2 (RAN binding protein 2; plus strand). Cytogenetic location: 2q13.
Variant type: single nucleotide variant.
Coding change: c.93C>G on transcript NM_022336.4 (MANE Select); coding-DNA position 93, C replaced by G.
Protein change: p.Cys31Trp; replaces cysteine 31 with tryptophan.
Molecular consequence: missense variant.
Genome position (GRCh38, 1-based): chr2:108,930,201, G>C on the plus strand (C>G on the coding strand, the complement: EDAR is on the minus strand). VCF-style: chr2-108930201-G-C. GRCh37 (hg19) VCF-style: chr2-109546657-G-C.
Other names: short protein forms C31W.
Identifiers: ClinVar variation 2015099 (VCV002015099.4), dbSNP rs749688157, ClinGen allele CA348116107.
Genomic context (GRCh38, chr2:108,930,201, plus strand): 5'-CCCACACGGGGGGCACTCCTGGCACAGCCCCGTAGTCTGGTTGTAGTACTCGTTCTCACC[G>C]CAGTTTGAGTATTCCGCTCGGGCTGAGCACATCAGAGACACCTGCCAACAAAGGGGGGTG-3'
Protein context (NP_071731.1, residues 21-41): MCSARAEYSN[Cys31Trp]GENEYYNQTT